The following is an entry in ClinVar:

NM_017934.7(PHIP):c.1838G>C (p.Arg613Thr)

Gene: PHIP (PHIP subunit of CUL4-Ring ligase complex; minus strand). Cytogenetic location: 6q14.1.
Variant type: single nucleotide variant.
Coding change: c.1838G>C on transcript NM_017934.7 (MANE Select); coding-DNA position 1838, G replaced by C.
Protein change: p.Arg613Thr; replaces arginine 613 with threonine.
Molecular consequence: missense variant.
Genome position (GRCh38, 1-based): chr6:79,001,940, C>G on the plus strand (G>C on the coding strand, the complement: PHIP is on the minus strand). VCF-style: chr6-79001940-C-G. GRCh37 (hg19) VCF-style: chr6-79711657-C-G.
Other names: short protein forms R613T.
Identifiers: ClinVar variation 3691673 (VCV003691673.2).

ClinVar aggregate classification (germline): Uncertain significance (1 of 4 stars; one submission).

gnomAD v4.1: 2 of 1,613,084 alleles (0.00012%); highest among the groups gnomAD compares: Non-Finnish European, 0.000085%; no homozygotes.

Submission:

Labcorp Genetics (formerly Invitae), Labcorp
Classification: Uncertain significance. Last evaluated: 2024-02-10. Review status: criteria provided, single submitter. Criteria: Invitae Variant Classification Sherloc (09022015). Collection method: clinical testing. Allele origin: germline.
Comment: This sequence change replaces arginine, which is basic and polar, with threonine, which is neutral and polar, at codon 613 of the PHIP protein (p.Arg613Thr). This variant is not present in population databases (gnomAD no frequency). This variant has not been reported in the literature in individuals affected with PHIP-related conditions. Advanced modeling of protein sequence and biophysical properties (such as structural, functional, and spatial information, amino acid conservation, physicochemical variation, residue mobility, and thermodynamic stability) performed at Invitae indicates that this missense variant is not expected to disrupt PHIP protein function with a negative predictive value of 80%. In summary, the available evidence is currently insufficient to determine the role of this variant in disease. Therefore, it has been classified as a Variant of Uncertain Significance.